The following is an entry in ClinVar:

ClinVar aggregate classification (germline): Uncertain significance (1 of 4 stars; one submission).

Allele frequency attached by ClinVar (database versions not stated): ExAC 0.00001.

Submission:

Labcorp Genetics (formerly Invitae), Labcorp
Classification: Uncertain significance. Last evaluated: 2024-11-18. Review status: criteria provided, single submitter. Criteria: Invitae Variant Classification Sherloc (09022015). Collection method: clinical testing. Allele origin: germline.
Comment: This sequence change replaces glycine, which is neutral and non-polar, with cysteine, which is neutral and slightly polar, at codon 501 of the NEXMIF protein (p.Gly501Cys). The frequency data for this variant in the population databases is considered unreliable, as metrics indicate poor data quality at this position in the gnomAD database. This variant has not been reported in the literature in individuals affected with NEXMIF-related conditions. ClinVar contains an entry for this variant (Variation ID: 2709831). An algorithm developed to predict the effect of missense changes on protein structure and function (PolyPhen-2) suggests that this variant is likely to be disruptive. In summary, the available evidence is currently insufficient to determine the role of this variant in disease. Therefore, it has been classified as a Variant of Uncertain Significance.

NM_001008537.3(NEXMIF):c.1501G>T (p.Gly501Cys)

Gene: NEXMIF (neurite extension and migration factor; minus strand). Cytogenetic location: Xq13.3.
Variant type: single nucleotide variant.
Coding change: c.1501G>T on transcript NM_001008537.3 (MANE Select); coding-DNA position 1501, G replaced by T.
Protein change: p.Gly501Cys; replaces glycine 501 with cysteine.
Molecular consequence: missense variant.
Genome position (GRCh38, 1-based): chrX:74,743,056, C>A on the plus strand (G>T on the coding strand, the complement: NEXMIF is on the minus strand). VCF-style: chrX-74743056-C-A. GRCh37 (hg19) VCF-style: chrX-73962891-C-A.
Other names: short protein forms G501C.
Identifiers: ClinVar variation 2709831 (VCV002709831.3), dbSNP rs747796062, ClinGen allele CA10455119.
Genomic context (GRCh38, chrX:74,743,056, plus strand): 5'-CATCATCTTCCTCTTTGGAACCAACTGGCAGCCATTCCTTCCTCTCATTTACTTTTTCAC[C>A]CTCTAGTGAGTCAACATCATATAGATAATCTTCACTGTATCTGACTTTTCTCTTGGCTCG-3'
Protein context (NP_001008537.1, residues 491-511): DYLYDVDSLE[Gly501Cys]EKVNERKEWL